The following is an entry in ClinVar:

NM_020919.4(ALS2):c.499A>G (p.Ile167Val)

Gene: ALS2 (alsin Rho guanine nucleotide exchange factor ALS2; minus strand). Cytogenetic location: 2q33.1.
Variant type: single nucleotide variant.
Coding change: c.499A>G on transcript NM_020919.4 (MANE Select); coding-DNA position 499, A replaced by G.
Protein change: p.Ile167Val; replaces isoleucine 167 with valine.
Molecular consequence: missense variant.
Genome position (GRCh38, 1-based): chr2:201,761,495, T>C on the plus strand (A>G on the coding strand, the complement: ALS2 is on the minus strand). VCF-style: chr2-201761495-T-C. GRCh37 (hg19) VCF-style: chr2-202626218-T-C.
Other names: c.499A>G, p.Ile167Val (NM_001135745.2); c.499A>G (NM_020919.3); short protein forms I167V.
Identifiers: ClinVar variation 1422977 (VCV001422977.7), dbSNP rs575412396, ClinGen allele CA2058639.
Genomic context (GRCh38, chr2:201,761,495, plus strand): 5'-AGGCAGTGGTAATGAGACCCAACTGACAACCGGTACCCCATGCCCAAATCTCTCTGCTTA[T>C]TGACAATGCCAGAGTGTGCTCCTCGCCACACGCCAACTGTAAAATCCTGACTGCTAACAA-3'
Protein context (NP_065970.2, residues 157-177): CGEEHTLALS[Ile167Val]SREIWAWGTG

ClinVar aggregate classification (germline): Uncertain significance. Review status: criteria provided, multiple submitters, no conflicts (2 of 4 stars). 2 submissions from 2 submitters: Uncertain significance (2). Last evaluated 2023-11-07.

Conditions:
Infantile-onset ascending hereditary spastic paralysis (IAHSP). Also called: Autosomal Recessive Juvenile Amyotrophic Lateral Sclerosis; Infantile-Onset Ascending Hereditary Spastic Paralysis (IAHSP). Identifiers: Orphanet 293168, MedGen C2931441, MONDO:0011797, OMIM 607225. Disease mechanism: loss of function.
Inborn genetic diseases. Identifiers: MedGen C0950123, MeSH D030342.

Allele frequency attached by ClinVar (database versions not stated): gnomAD exomes below 0.00001 and 0.00002; gnomAD 0.00001 and 0.00002; TOPMed 0.00001; ExAC 0.00002; 1000 Genomes Project 30x 0.00016; 1000 Genomes Project 0.00020.
gnomAD v4.1: 9 of 1,611,938 alleles (0.00056%); highest among the groups gnomAD compares: South Asian, 0.0055%; no homozygotes.

Submissions (2):

Ambry Genetics
Classification: Uncertain significance for Inborn genetic diseases. Last evaluated: 2023-11-07. Review status: criteria provided, single submitter. Criteria: Ambry Variant Classification Scheme 2023. Collection method: clinical testing. Allele origin: germline.

Labcorp Genetics (formerly Invitae), Labcorp
Classification: Uncertain significance for Infantile-onset ascending hereditary spastic paralysis. Last evaluated: 2021-08-23. Review status: criteria provided, single submitter. Criteria: Invitae Variant Classification Sherloc (09022015). Collection method: clinical testing. Allele origin: germline.
Comment: Algorithms developed to predict the effect of missense changes on protein structure and function (SIFT, PolyPhen-2, Align-GVGD) all suggest that this variant is likely to be tolerated. In summary, the available evidence is currently insufficient to determine the role of this variant in disease. Therefore, it has been classified as a Variant of Uncertain Significance. Algorithms developed to predict the effect of sequence changes on RNA splicing suggest that this variant may create or strengthen a splice site. This variant has not been reported in the literature in individuals affected with ALS2-related conditions. This variant is present in population databases (rs575412396, ExAC 0.01%). This sequence change replaces isoleucine with valine at codon 167 of the ALS2 protein (p.Ile167Val). The isoleucine residue is weakly conserved and there is a small physicochemical difference between isoleucine and valine.